The following is an entry in ClinVar:

NM_016038.4(SBDS):c.214A>T (p.Ile72Phe)

Gene: SBDS (SBDS ribosome maturation factor; minus strand). Cytogenetic location: 7q11.21.
Variant type: single nucleotide variant.
Coding change: c.214A>T on transcript NM_016038.4 (MANE Select); coding-DNA position 214, A replaced by T.
Protein change: p.Ile72Phe; replaces isoleucine 72 with phenylalanine.
Molecular consequence: missense variant.
Genome position (GRCh38, 1-based): chr7:66,994,256, T>A on the plus strand (A>T on the coding strand, the complement: SBDS is on the minus strand). VCF-style: chr7-66994256-T-A. GRCh37 (hg19) VCF-style: chr7-66459243-T-A.
Other names: short protein forms I72F.
Identifiers: ClinVar variation 4159794 (VCV004159794.1).

ClinVar aggregate classification (germline): Uncertain significance (1 of 4 stars; one submission).

Conditions:
Inborn genetic diseases. Identifiers: MedGen C0950123, MeSH D030342.

Submission:

Ambry Genetics
Classification: Uncertain significance for Inborn genetic diseases. Last evaluated: 2025-06-20. Review status: criteria provided, single submitter. Criteria: Ambry Variant Classification Scheme 2023. Collection method: clinical testing. Allele origin: germline.
Comment: The p.I72F variant (also known as c.214A>T), located in coding exon 2 of the SBDS gene, results from an A to T substitution at nucleotide position 214. The isoleucine at codon 72 is replaced by phenylalanine, an amino acid with highly similar properties. This amino acid position is conserved. In addition, the in silico prediction for this alteration is inconclusive. Based on the available evidence, the clinical significance of this variant remains unclear.